The following is an entry in ClinVar:

NM_000132.4(F8):c.686C>A (p.Ser229Ter)

Gene: F8 (coagulation factor VIII; minus strand). Cytogenetic location: Xq28.
Variant type: single nucleotide variant.
Coding change: c.686C>A on transcript NM_000132.4 (MANE Select); coding-DNA position 686, C replaced by A.
Protein change: p.Ser229Ter; replaces serine 229 with a stop codon.
Molecular consequence: nonsense.
Genome position (GRCh38, 1-based): chrX:154,984,788, G>T on the plus strand (C>A on the coding strand, the complement: F8 is on the minus strand). VCF-style: chrX-154984788-G-T. GRCh37 (hg19) VCF-style: chrX-154213063-G-T.
Other names: NM_000132.4:c.686C>A; short protein forms S229*.
Identifiers: ClinVar variation 2775449 (VCV002775449.2), dbSNP rs2523969889, ClinGen allele CA414919140.

ClinVar aggregate classification (germline): Pathogenic (3 of 4 stars; one submission).

Conditions:
Hereditary factor VIII deficiency disease (HEMA). Also called: HEMOPHILIA, CLASSIC; AUTOSOMAL HEMOPHILIA A; Hemophilia A; Hemophilia A, congenital; HEM A; Factor 8 deficiency, congenital. Identifiers: Orphanet 98878, MedGen C0019069, MONDO:0010602, OMIM 306700.

Submission:

ClinGen Coagulation Factor Deficiency Variant Curation Expert Panel, Clingen
Classification: Pathogenic for Hereditary factor VIII deficiency disease. Last evaluated: 2024-02-02. Review status: reviewed by expert panel. Criteria: ClinGen CoagFactor ACMG Specifications F8 V1.0.0. Collection method: curation. Allele origin: germline. Inheritance: X-linked inheritance.
Comment: The NM_000132.3:c.686C>A variant predicts a nonsense change, Ser229Ter, in exon 6 of the F8 gene and the resulting transcript is predicted to undergo NMD, which meets PVS1 criteria. The variant is absent from gnomAD v2.1.1 and v3, which meets PM2_Suppporting. It is not reported in male patients with hemophilia A in the literature; however, another nucleotide change that results in the same nonsense variant is reported in two patients (PMID: 18217193, 22958177). At least one male with severe hemophilia A was found to be de novo for the variant, without confirmation of maternity, from internal laboratory data, which meets the PS2_Moderate and PS4_Supporting criteria. In summary, this variant meets criteria to be classified as pathogenic. ACMG/AMP criteria applied, as specified by the Coagulation Factor Deficiency variant curation expert panel: PVS1, PS2_Moderate, PS4_Supporting, PM2_Supporting.